The following is an entry in ClinVar:

ClinVar aggregate classification (germline): Pathogenic/Likely pathogenic. Review status: criteria provided, multiple submitters, no conflicts (2 of 4 stars). 6 submissions from 6 submitters: Pathogenic (1); Likely pathogenic (4). 1 of the submissions does not count toward it. Last evaluated 2025-03-28.

Conditions:
Incidental Discovery. Identifiers: MedGen C1135954.
Hereditary cancer-predisposing syndrome. Also called: Neoplastic Syndromes, Hereditary; Hereditary Cancer Syndrome; Tumor predisposition; Hereditary neoplastic syndrome. Identifiers: Orphanet 140162, MedGen C0027672, MeSH D009386, MONDO:0015356.
Familial cancer of breast. Also called: Hereditary breast cancer; hereditary breast carcinoma; BREAST CANCER, FAMILIAL. Identifiers: Orphanet 227535, MedGen C0346153, MONDO:0016419, OMIM 114480. Disease mechanism: loss of function.

Submissions (6):

Clinical Genetics Laboratory, Skane University Hospital Lund
Classification: Likely pathogenic for Incidental Discovery. Last evaluated: 2025-03-28. Review status: criteria provided, single submitter. Criteria: ACMG Guidelines, 2015. Collection method: clinical testing. Allele origin: germline.
Comment: ACMG-criteria applied: PVS1_strong, PM2.

Labcorp Genetics (formerly Invitae), Labcorp
Classification: Likely pathogenic for Familial cancer of breast. Last evaluated: 2023-12-06. Review status: criteria provided, single submitter. Criteria: Invitae Variant Classification Sherloc (09022015). Collection method: clinical testing. Allele origin: germline.
Comment: This sequence change creates a premature translational stop signal (p.Leu498Valfs*2) in the CHEK2 gene. While this is not anticipated to result in nonsense mediated decay, it is expected to disrupt the last 46 amino acid(s) of the CHEK2 protein. This variant is not present in population databases (gnomAD no frequency). This variant has not been reported in the literature in individuals affected with CHEK2-related conditions. ClinVar contains an entry for this variant (Variation ID: 545784). This variant disrupts the nuclear localization signal (NLS) of the CHEK2 protein, which is critical for proper nuclear localization (PMID: 18004398, 12909615). While functional studies have not been performed to directly test the effect of this variant on CHEK2 protein function, this suggests that disruption of this region of the protein is causative of disease. In summary, the currently available evidence indicates that the variant is pathogenic, but additional data are needed to prove that conclusively. Therefore, this variant has been classified as Likely Pathogenic.

Myriad Genetics, Inc.
Classification: Pathogenic for Familial cancer of breast. Last evaluated: 2023-03-07. Review status: criteria provided, single submitter. Criteria: Myriad Autosomal Dominant, Autosomal Recessive and X-Linked Classification Criteria (2023). Collection method: clinical testing. Allele origin: unknown.
Comment: This variant is considered pathogenic. This variant creates a frameshift predicted to result in premature protein truncation.

Ambry Genetics
Classification: Likely pathogenic for Hereditary cancer-predisposing syndrome. Last evaluated: 2022-08-08. Review status: criteria provided, single submitter. Criteria: Ambry Variant Classification Scheme 2023. Collection method: clinical testing. Allele origin: germline.
Comment: The c.1492_1496delCTTCT variant, located in coding exon 13 of the CHEK2 gene, results from a deletion of 5 nucleotides at nucleotide positions 1492 to 1496, causing a translational frameshift with a predicted alternate stop codon (p.L498Vfs*2). This alteration occurs at the 3' terminus of the CHEK2 gene, is not expected to trigger nonsense-mediated mRNA decay, and only impacts the last 46 amino acids of the protein. However, this alteration results in the truncation of the critical NLS-3 (nuclear localization signal-3) domain of the CHEK2 gene, which mediates proper localization of the protein (Zannini L et al. J. Biol. Chem. 2003 Oct; 278(43):42346-51). Based on the majority of available evidence to date, this variant is likely to be pathogenic.

GeneDx
Classification: Likely pathogenic. Last evaluated: 2017-04-28. Review status: criteria provided, single submitter. Criteria: GeneDx Variant Classification (06012015). Collection method: clinical testing. Allele origin: germline. Affected: yes.
Comment: This deletion of five nucleotides in CHEK2 is denoted c.1492_1496delCTTCT at the cDNA level and p.Leu498ValfsX2 (L498VfsX2) at the protein level. The normal sequence, with the bases that are deleted in brackets, is AGAT[delCTTCT]GTCT. The deletion causes a frameshift, which changes a Leucine to a Valine at codon 498, and creates a premature stop codon at position 2 of the new reading frame. Although this variant has not, to our knowledge, been reported in the literature, it is predicted to cause loss of normal protein function through protein truncation. The disrupted region at the end of the gene contains part of the kinase domain and the nuclear localization signal (Roeb 2012). Based on the currently available information, we consider this deletion to be a likely pathogenic variant.

Counsyl
Classification: Likely pathogenic for Familial cancer of breast. Last evaluated: 2017-11-30. Review status: no assertion criteria provided. Collection method: clinical testing. Allele origin: unknown. Not counted in ClinVar's aggregate classification.

Literature cited by the submitters: PubMed 18004398 (cited by Labcorp Genetics (formerly Invitae), Labcorp); PubMed 12909615 (cited by Labcorp Genetics (formerly Invitae), Labcorp).

NM_007194.4(CHEK2):c.1492_1496del (p.Leu498fs)

Gene: CHEK2 (checkpoint kinase 2; minus strand). Cytogenetic location: 22q12.1.
Variant type: Deletion.
Coding change: c.1492_1496del on transcript NM_007194.4 (MANE Select); coding-DNA positions 1492 to 1496, 5 bases deleted (CTTCT; older notation c.1492_1496delCTTCT).
Protein change: p.Leu498fs; shifts the reading frame from leucine 498.
Molecular consequence: frameshift variant.
Genome position (GRCh38, 1-based): chr22:28,689,181-28,689,185, AGAAG deleted on the plus strand (CTTCT on the coding strand, the reverse complement: CHEK2 is on the minus strand); deleting any 5 consecutive bases within chr22:28,689,181-28,689,186 gives the same sequence; the c. name uses the placement nearest the transcript's 3' end. VCF-style (leftmost placement, unchanged base first): chr22-28689180-CAGAAG-C. GRCh37 (hg19) VCF-style: chr22-29085168-CAGAAG-C.
Other names: c.1620_1624delTCTTC, p.Leu541Valfs (NM_001005735.3); c.828_832delTCTTC, p.Leu277Valfs (NM_001257387.3); c.1290_1294delTCTTC, p.Leu431Valfs (NM_001349956.3); c.1404_1408delTCTTC, p.Leu469Valfs (NM_145862.3); short protein forms L277fs, L431fs, L469fs, L498fs, L541fs.
Identifiers: ClinVar variation 545784 (VCV000545784.13), dbSNP rs1555912044, ClinGen allele CA658824090.
Genomic context (GRCh38, chr22:28,689,180, plus strand): 5'-CAGGAATACGAATACCTGGGCTAGAACCTGGGGTAGAGCTGTGGATTCATTTTCCTCAGA[CAGAAG>C]ATCTTGAAACTTTCTCTTCATGTCTTCATCCTGTGAGGGAATTAAAAACATAAGTAGCTG-3'